The following is an entry in ClinVar:

ClinVar aggregate classification (germline): Uncertain significance (1 of 4 stars; one submission).

Allele frequency attached by ClinVar (database versions not stated): TOPMed below 0.00001.
gnomAD v4.1: 24 of 1,578,928 alleles (0.0015%); highest among the groups gnomAD compares: Non-Finnish European, 0.0018%; no homozygotes.

Submission:

Labcorp Genetics (formerly Invitae), Labcorp
Classification: Uncertain significance. Last evaluated: 2025-09-21. Review status: criteria provided, single submitter. Criteria: Invitae Variant Classification Sherloc (09022015). Collection method: clinical testing. Allele origin: germline.
Comment: This sequence change replaces serine, which is neutral and polar, with leucine, which is neutral and non-polar, at codon 258 of the GATA5 protein (p.Ser258Leu). This variant is not present in population databases (gnomAD no frequency). This variant has not been reported in the literature in individuals affected with GATA5-related conditions. ClinVar contains an entry for this variant (Variation ID: 1948723). Invitae Evidence Modeling of protein sequence and biophysical properties (such as structural, functional, and spatial information, amino acid conservation, physicochemical variation, residue mobility, and thermodynamic stability) indicates that this missense variant is not expected to disrupt GATA5 protein function with a negative predictive value of 80%. In summary, the available evidence is currently insufficient to determine the role of this variant in disease. Therefore, it has been classified as a Variant of Uncertain Significance.

NM_080473.5(GATA5):c.773C>T (p.Ser258Leu)

Gene: GATA5 (GATA binding protein 5; minus strand). Cytogenetic location: 20q13.33.
Variant type: single nucleotide variant.
Coding change: c.773C>T on transcript NM_080473.5 (MANE Select); coding-DNA position 773, C replaced by T.
Protein change: p.Ser258Leu; replaces serine 258 with leucine.
Molecular consequence: missense variant.
Genome position (GRCh38, 1-based): chr20:62,466,478, G>A on the plus strand (C>T on the coding strand, the complement: GATA5 is on the minus strand). VCF-style: chr20-62466478-G-A. GRCh37 (hg19) VCF-style: chr20-61041534-G-A.
Other names: short protein forms S258L.
Identifiers: ClinVar variation 1948723 (VCV001948723.5), dbSNP rs782700910, ClinGen allele CA9946199.